The following is an entry in ClinVar:

NM_001127671.2(LIFR):c.*1870G>A

Gene: LIFR (LIF receptor subunit alpha; minus strand). Cytogenetic location: 5p13.1.
Variant type: single nucleotide variant.
Coding change: c.*1870G>A on transcript NM_001127671.2 (MANE Select); 1870 bases downstream of the stop codon, G replaced by A.
Molecular consequence: 3 prime UTR variant.
Genome position (GRCh38, 1-based): chr5:38,479,725, C>T on the plus strand (G>A on the coding strand, the complement: LIFR is on the minus strand). VCF-style: chr5-38479725-C-T. GRCh37 (hg19) VCF-style: chr5-38479827-C-T.
Other names: c.*1870G>A (NM_001364297.2, NM_001364298.2, NM_002310.6).
Identifiers: ClinVar variation 353575 (VCV000353575.5), dbSNP rs60287085, ClinGen allele CA10621848.
Genomic context (GRCh38, chr5:38,479,725, plus strand): 5'-CAGGAGTTGAGGGCAAGCAGACAATGCTAACAGCAAGCTTTGGCAGGGAGAGAAGGCAGC[C>T]CCAGGTCTGATGTCTGGGGTGGAAGCTAAGGGAAGGAGCCAAAGAGGATACAAAGGAAGA-3'

ClinVar aggregate classification (germline): Benign (1 of 4 stars; one submission).

Conditions:
Stuve-Wiedemann syndrome (STWS). Also called: Stüve-Wiedemann syndrome. Identifiers: Orphanet 3206, MedGen C0796176, MONDO:0031280.

Allele frequency attached by ClinVar (database versions not stated): gnomAD 0.00865 and 0.01218; TOPMed 0.01275; gnomAD exomes 0.04090; 1000 Genomes Project 30x 0.05262; 1000 Genomes Project 0.05751.
gnomAD v4.1: 4,911 of 231,600 alleles (2.1%); highest among the groups gnomAD compares: East Asian, 26%; 574 homozygotes.

Submission:

Illumina Laboratory Services, Illumina
Classification: Benign for Stüve-Wiedemann syndrome 1. Last evaluated: 2018-01-12. Review status: criteria provided, single submitter. Criteria: ICSL Variant Classification Criteria 13 December 2019. Collection method: clinical testing. Allele origin: germline.
Comment: This variant was observed in the ICSL laboratory as part of a predisposition screen in an ostensibly healthy population. It had not been previously curated by ICSL or reported in the Human Gene Mutation Database (HGMD: prior to June 1st, 2018), and was therefore a candidate for classification through an automated scoring system. Utilizing variant allele frequency, disease prevalence and penetrance estimates, and inheritance mode, an automated score was calculated to assess if this variant is too frequent to cause the disease. Based on the score and internal cut-off values, a variant classified as benign is not then subjected to further curation. The score for this variant resulted in a classification of benign for this disease.